The following is an entry in ClinVar:

NM_080632.3(UPF3B):c.1157T>C (p.Phe386Ser)

Gene: UPF3B (UPF3B regulator of nonsense mediated mRNA decay; minus strand). Cytogenetic location: Xq24.
Variant type: single nucleotide variant.
Coding change: c.1157T>C on transcript NM_080632.3 (MANE Select); coding-DNA position 1157, T replaced by C.
Protein change: p.Phe386Ser; replaces phenylalanine 386 with serine.
Molecular consequence: missense variant.
Genome position (GRCh38, 1-based): chrX:119,837,902, A>G on the plus strand (T>C on the coding strand, the complement: UPF3B is on the minus strand). VCF-style: chrX-119837902-A-G. GRCh37 (hg19) VCF-style: chrX-118971865-A-G.
Other names: c.1118T>C, p.Phe373Ser (NM_023010.4); c.1157T>C (NM_080632.2); short protein forms F373S, F386S.
Identifiers: ClinVar variation 3625581 (VCV003625581.3).
Genomic context (GRCh38, chrX:119,837,902, plus strand): 5'-TTCTTTCCTTTATCCCGAAGTGTGTCTTTCTCTTTTTTCATTTCTTCTTCTTTTCTCTTA[A>G]AAGTCTTCTCTTTCTCATAGCGCTCCTTCTGCCTACGGCGCTCTTCTTCTTGCCGCTTCA-3'
Protein context (NP_542199.1, residues 376-396): QKERYEKEKT[Phe386Ser]KRKEEEMKKE

ClinVar aggregate classification (germline): Uncertain significance. Review status: criteria provided, multiple submitters, no conflicts (2 of 4 stars). 2 submissions from 2 submitters: Uncertain significance (2). Last evaluated 2025-12-23.

Conditions:
Intellectual developmental disorder, X-linked, syndromic 14. Also called: Syndromic X-linked intellectual disability 14. Identifiers: Orphanet 776, MedGen C1970822, MONDO:0010398, OMIM 300676.
Inborn genetic diseases. Identifiers: MedGen C0950123, MeSH D030342.

Submissions (2):

Labcorp Genetics (formerly Invitae), Labcorp
Classification: Uncertain significance for Intellectual developmental disorder, X-linked, syndromic 14. Last evaluated: 2025-12-23. Review status: criteria provided, single submitter. Criteria: Invitae Variant Classification Sherloc (09022015). Collection method: clinical testing. Allele origin: germline.
Comment: This sequence change replaces phenylalanine, which is neutral and non-polar, with serine, which is neutral and polar, at codon 386 of the UPF3B protein (p.Phe386Ser). This variant is not present in population databases (gnomAD no frequency). This variant has not been reported in the literature in individuals affected with UPF3B-related conditions. ClinVar contains an entry for this variant (Variation ID: 3625581). Invitae Evidence Modeling of protein sequence and biophysical properties (such as structural, functional, and spatial information, amino acid conservation, physicochemical variation, residue mobility, and thermodynamic stability) indicates that this missense variant is not expected to disrupt UPF3B protein function with a negative predictive value of 80%. In summary, the available evidence is currently insufficient to determine the role of this variant in disease. Therefore, it has been classified as a Variant of Uncertain Significance.

Ambry Genetics
Classification: Uncertain significance for Inborn genetic diseases. Last evaluated: 2025-03-27. Review status: criteria provided, single submitter. Criteria: Ambry Variant Classification Scheme 2023. Collection method: clinical testing. Allele origin: germline.